The following is an entry in ClinVar:

ClinVar aggregate classification (germline): Benign (1 of 4 stars; one submission).

Conditions:
Pyridoxine-dependent epilepsy (EPEO4). Also called: Pyridoxine-Dependent Epilepsy - ALDH7A1; PYRIDOXINE DEPENDENCY WITH SEIZURES; EPILEPSY, EARLY-ONSET, 4, VITAMIN B6-DEPENDENT; Pyridoxine-Dependent Seizures. Identifiers: Orphanet 3006, MedGen C1849508, MONDO:0009945, OMIM 266100. Disease mechanism: loss of function.

Allele frequency attached by ClinVar (database versions not stated): 1000 Genomes Project 0.47185; TOPMed 0.48765; 1000 Genomes Project 30x 0.46565.

Submission:

Illumina Laboratory Services, Illumina
Classification: Benign for Pyridoxine-dependent epilepsy. Last evaluated: 2018-01-13. Review status: criteria provided, single submitter. Criteria: ICSL Variant Classification Criteria 13 December 2019. Collection method: clinical testing. Allele origin: germline.
Comment: This variant was observed in the ICSL laboratory as part of a predisposition screen in an ostensibly healthy population. It had not been previously curated by ICSL or reported in the Human Gene Mutation Database (HGMD: prior to June 1st, 2018), and was therefore a candidate for classification through an automated scoring system. Utilizing variant allele frequency, disease prevalence and penetrance estimates, and inheritance mode, an automated score was calculated to assess if this variant is too frequent to cause the disease. Based on the score and internal cut-off values, a variant classified as benign is not then subjected to further curation. The score for this variant resulted in a classification of benign for this disease.

NM_001182.5(ALDH7A1):c.*3022T>C

Gene: ALDH7A1 (aldehyde dehydrogenase 7 family member A1; minus strand). Cytogenetic location: 5q23.2.
Variant type: single nucleotide variant.
Coding change: c.*3022T>C on transcript NM_001182.5 (MANE Select); 3022 bases downstream of the stop codon, T replaced by C.
Molecular consequence: 3 prime UTR variant.
Genome position (GRCh38, 1-based): chr5:126,541,943, A>G on the plus strand (T>C on the coding strand, the complement: ALDH7A1 is on the minus strand). VCF-style: chr5-126541943-A-G. GRCh37 (hg19) VCF-style: chr5-125877635-A-G.
Other names: c.*3022T>C (NM_001201377.2, NM_001202404.2).
Identifiers: ClinVar variation 350520 (VCV000350520.5), dbSNP rs2035471, ClinGen allele CA10618841.